The following is an entry in ClinVar:

ClinVar aggregate classification (germline): Uncertain significance. Review status: criteria provided, multiple submitters, no conflicts (2 of 4 stars). 3 submissions from 3 submitters: Uncertain significance (3). Last evaluated 2024-10-07.

Conditions:
Congenital adrenal hyperplasia due to cytochrome P450 oxidoreductase deficiency. Also called: DISORDERED STEROIDOGENESIS DUE TO POR DEFICIENCY. Identifiers: Orphanet 95699, MedGen C1860042, MONDO:0013310, OMIM 613571.

Allele frequency attached by ClinVar (database versions not stated): ExAC 0.00010; gnomAD exomes 0.00011 and 0.00015; gnomAD 0.00012 and 0.00013; TOPMed 0.00012; ESP Exome Variant Server 0.00016.

Submissions (3):

Labcorp Genetics (formerly Invitae), Labcorp
Classification: Uncertain significance for Congenital adrenal hyperplasia due to cytochrome P450 oxidoreductase deficiency. Last evaluated: 2024-10-07. Review status: criteria provided, single submitter. Criteria: Invitae Variant Classification Sherloc (09022015). Collection method: clinical testing. Allele origin: germline.
Comment: This sequence change replaces alanine, which is neutral and non-polar, with threonine, which is neutral and polar, at codon 134 of the POR protein (p.Ala134Thr). This variant is present in population databases (rs201365892, gnomAD 0.02%). This variant has not been reported in the literature in individuals affected with POR-related conditions. ClinVar contains an entry for this variant (Variation ID: 1429323). Invitae Evidence Modeling of protein sequence and biophysical properties (such as structural, functional, and spatial information, amino acid conservation, physicochemical variation, residue mobility, and thermodynamic stability) indicates that this missense variant is not expected to disrupt POR protein function with a negative predictive value of 80%. In summary, the available evidence is currently insufficient to determine the role of this variant in disease. Therefore, it has been classified as a Variant of Uncertain Significance.

GeneDx
Classification: Uncertain significance. Last evaluated: 2024-04-08. Review status: criteria provided, single submitter. Criteria: GeneDx Variant Classification Process June 2021. Collection method: clinical testing. Allele origin: germline.
Comment: In silico analysis supports that this missense variant does not alter protein structure/function; Has not been previously published as pathogenic or benign to our knowledge

Blueprint Genetics
Classification: Uncertain significance. Last evaluated: 2023-12-11. Review status: criteria provided, single submitter. Criteria: ACMG Guidelines, 2015. Collection method: clinical testing. Allele origin: germline.

NM_001395413.1(POR):c.391G>A (p.Ala131Thr)

Gene: POR (cytochrome p450 oxidoreductase; plus strand). Cytogenetic location: 7q11.23.
Variant type: single nucleotide variant.
Coding change: c.391G>A on transcript NM_001395413.1 (MANE Select); coding-DNA position 391, G replaced by A.
Protein change: p.Ala131Thr; replaces alanine 131 with threonine.
Molecular consequence: missense variant.
Genome position (GRCh38, 1-based): chr7:75,980,372, G>A. VCF-style: chr7-75980372-G-A. GRCh37 (hg19) VCF-style: chr7-75609690-G-A.
Other names: c.391G>A, p.Ala131Thr (NM_001367562.3, NM_001382657.2, NM_001382658.3 and 2 more transcripts); c.445G>A, p.Ala149Thr (NM_001382655.3); c.400G>A (NM_000941.2); short protein forms A131T, A149T.
Identifiers: ClinVar variation 1429323 (VCV001429323.7), dbSNP rs201365892, ClinGen allele CA4303632.
Genomic context (GRCh38, chr7:75,980,372, plus strand): 5'-GGCGCGGTCCTGTCCCTGTTTCTGCAGGCCGACCTGAGCAGCCTGCCAGAGATCGACAAC[G>A]CCCTGGTGGTTTTCTGCATGGCCACCTACGGTGAGGGAGACCCCACCGACAATGCCCAGG-3'
Protein context (NP_001382342.1, residues 121-141): DLSSLPEIDN[Ala131Thr]LVVFCMATYG